The following is an entry in ClinVar:

ClinVar aggregate classification (germline): Uncertain significance (1 of 4 stars; one submission).

Conditions:
Hereditary spastic paraplegia 30. Identifiers: Orphanet 101010, MedGen C5235139, MONDO:0012476.
Neuropathy, hereditary sensory, type 2C. Also called: Hereditary sensory and autonomic neuropathy type IIC; KIF1A-Related HSAN2 (HSAN2C). Identifiers: Orphanet 970, MedGen C3280168, MONDO:0013634, OMIM 614213.
Intellectual disability, autosomal dominant 9 (NESCAVS). Also called: NESCAV SYNDROME; KIF1A-Related Neurodevelopmental Disorder. Identifiers: Orphanet 662367, MedGen C5393830, MONDO:0013656, OMIM 614255.

gnomAD v4.1: 1 of 1,613,642 alleles (0.000062%); no homozygotes.

Submission:

Labcorp Genetics (formerly Invitae), Labcorp
Classification: Uncertain significance for Hereditary spastic paraplegia 30; Neuropathy, hereditary sensory, type 2C; Intellectual disability, autosomal dominant 9. Last evaluated: 2021-12-27. Review status: criteria provided, single submitter. Criteria: Invitae Variant Classification Sherloc (09022015). Collection method: clinical testing. Allele origin: germline.
Comment: This sequence change replaces alanine, which is neutral and non-polar, with glycine, which is neutral and non-polar, at codon 85 of the KIF1A protein (p.Ala85Gly). This variant is not present in population databases (gnomAD no frequency). Advanced modeling of protein sequence and biophysical properties (such as structural, functional, and spatial information, amino acid conservation, physicochemical variation, residue mobility, and thermodynamic stability) performed at Invitae indicates that this missense variant is expected to disrupt KIF1A protein function. This variant has not been reported in the literature in individuals affected with KIF1A-related conditions. In summary, the available evidence is currently insufficient to determine the role of this variant in disease. Therefore, it has been classified as a Variant of Uncertain Significance.

NM_001244008.2(KIF1A):c.254C>G (p.Ala85Gly)

Gene: KIF1A (kinesin family member 1A; minus strand). Cytogenetic location: 2q37.3.
Variant type: single nucleotide variant.
Coding change: c.254C>G on transcript NM_001244008.2 (MANE Select); coding-DNA position 254, C replaced by G.
Protein change: p.Ala85Gly; replaces alanine 85 with glycine.
Molecular consequence: missense variant.
Genome position (GRCh38, 1-based): chr2:240,788,160, G>C on the plus strand (C>G on the coding strand, the complement: KIF1A is on the minus strand). VCF-style: chr2-240788160-G-C. GRCh37 (hg19) VCF-style: chr2-241727577-G-C.
Other names: c.254C>G, p.Ala85Gly (NM_001320705.2, NM_001330289.2, NM_001330290.2 and 20 more transcripts); short protein forms A85G.
Identifiers: ClinVar variation 1378367 (VCV001378367.6), dbSNP rs1553639041, ClinGen allele CA351310617.